The following is an entry in ClinVar:

ClinVar aggregate classification (germline): Pathogenic (1 of 4 stars; one submission).

Conditions:
Mitochondrial trifunctional protein deficiency. Identifiers: Orphanet 746, MedGen C1969443, MONDO:0012172.
Long chain 3-hydroxyacyl-CoA dehydrogenase deficiency. Also called: Deficiency of long-chain 3-hydroxyacyl-coenzyme A dehydrogenase; LCHAD Deficiency. Identifiers: Orphanet 5, MedGen C3711645, MONDO:0012173, OMIM 609016.

Submission:

Labcorp Genetics (formerly Invitae), Labcorp
Classification: Pathogenic for Mitochondrial trifunctional protein deficiency; Long chain 3-hydroxyacyl-CoA dehydrogenase deficiency. Last evaluated: 2023-03-18. Review status: criteria provided, single submitter. Criteria: Invitae Variant Classification Sherloc (09022015). Collection method: clinical testing. Allele origin: germline.
Comment: This sequence change creates a premature translational stop signal (p.Thr395Asnfs*16) in the HADHA gene. It is expected to result in an absent or disrupted protein product. Loss-of-function variants in HADHA are known to be pathogenic (PMID: 7738175, 21103935, 21549624, 22459206). For these reasons, this variant has been classified as Pathogenic. This variant has not been reported in the literature in individuals affected with HADHA-related conditions. This variant is not present in population databases (gnomAD no frequency).

Literature cited by the submitters: PubMed 7738175; PubMed 21103935; PubMed 21549624; PubMed 22459206.

NM_000182.5(HADHA):c.1183dup (p.Thr395fs)

Genes: GAREM2 (GRB2 associated regulator of MAPK1 subtype 2; plus strand), HADHA (hydroxyacyl-CoA dehydrogenase trifunctional multienzyme complex subunit alpha; minus strand). Cytogenetic location: 2p23.3.
Variant type: Duplication.
Coding change: c.1183dup on transcript NM_000182.5 (MANE Select); coding-DNA position 1183, one base duplicated (A; older notation c.1183dupA).
Protein change: p.Thr395fs; shifts the reading frame from threonine 395.
Molecular consequence: frameshift variant.
Genome position (GRCh38, 1-based): chr2:26,204,099, T duplicated on the plus strand (A on the coding strand, the reverse complement: HADHA is on the minus strand). VCF-style (leftmost placement, unchanged base first): chr2-26204098-G-GT. GRCh37 (hg19) VCF-style: chr2-26426967-G-GT.
Other names: short protein forms T395fs.
Identifiers: ClinVar variation 2942406 (VCV002942406.3), dbSNP rs2465540859, ClinGen allele CA2740092779.